The following is an entry in ClinVar:

ClinVar aggregate classification (germline): Uncertain significance (1 of 4 stars; one submission).

gnomAD v4.1: 1 of 1,547,128 alleles (0.000065%); highest among the groups gnomAD compares: Non-Finnish European, 0.000087%; no homozygotes.

Submission:

GeneDx
Classification: Uncertain significance. Last evaluated: 2025-05-19. Review status: criteria provided, single submitter. Criteria: GeneDx Variant Classification Process June 2021. Collection method: clinical testing. Allele origin: germline. Affected: yes.
Comment: Not observed at significant frequency in large population cohorts (gnomAD); In silico analysis suggests that this missense variant does not alter protein structure/function; Has not been previously published as pathogenic or benign to our knowledge

NM_016148.5(SHANK1):c.4912G>A (p.Ala1638Thr)

Gene: SHANK1 (SH3 and multiple ankyrin repeat domains 1; minus strand). Cytogenetic location: 19q13.33.
Variant type: single nucleotide variant.
Coding change: c.4912G>A on transcript NM_016148.5 (MANE Select); coding-DNA position 4912, G replaced by A.
Protein change: p.Ala1638Thr; replaces alanine 1638 with threonine.
Molecular consequence: missense variant.
Genome position (GRCh38, 1-based): chr19:50,667,048, C>T on the plus strand (G>A on the coding strand, the complement: SHANK1 is on the minus strand). VCF-style: chr19-50667048-C-T. GRCh37 (hg19) VCF-style: chr19-51170305-C-T.
Other names: short protein forms A1638T.
Identifiers: ClinVar variation 4531054 (VCV004531054.1).